The following is an entry in ClinVar:

NM_001127198.5(TMC6):c.110_111delinsCT (p.Leu37Pro)

Gene: TMC6 (transmembrane channel like 6; minus strand). Cytogenetic location: 17q25.3.
Variant type: Indel.
Coding change: c.110_111delinsCT on transcript NM_001127198.5 (MANE Select); coding-DNA positions 110 to 111, TC replaced by CT.
Protein change: p.Leu37Pro; replaces leucine 37 with proline.
Molecular consequence: missense variant. On other transcripts: non-coding transcript variant (4).
Genome position (GRCh38, 1-based): chr17:78,126,594-78,126,595, GA replaced by AG on the plus strand (TC replaced by CT on the coding strand, the reverse complement: TMC6 is on the minus strand). VCF-style: chr17-78126594-GA-AG. GRCh37 (hg19) VCF-style: chr17-76122675-GA-AG.
Other names: c.110_111delinsCT, p.Leu37Pro (NM_001321185.1, NM_001374593.1, NM_001374594.1 and 4 more transcripts); short protein forms L37P.
Identifiers: ClinVar variation 1522724 (VCV001522724.3), dbSNP rs2145422626, ClinGen allele CA2573154891.
Genomic context (GRCh38, chr17:78,126,594, plus strand): 5'-CCGCTCTCTCTGCTGCAGCTCCAGCCCCTCCTGGGCCGTGCACTGGCTCTGCTCCTGGAT[GA>AG]GCTGCTGGAAGGAGTCGTGCACTTCGCTTTCATCATAGGGGCTGGGGCCCTGGCTGCAGA-3'
Protein context (NP_001120670.1, residues 27-47): ESEVHDSFQQ[Leu37Pro]IQEQSQCTAQ

ClinVar aggregate classification (germline): Uncertain significance (1 of 4 stars; one submission).

Conditions:
Epidermodysplasia verruciformis. Identifiers: Orphanet 302, MedGen C0014522, MONDO:0009176.

Submission:

Labcorp Genetics (formerly Invitae), Labcorp
Classification: Uncertain significance for Epidermodysplasia verruciformis. Last evaluated: 2021-10-05. Review status: criteria provided, single submitter. Criteria: Invitae Variant Classification Sherloc (09022015). Collection method: clinical testing. Allele origin: germline.
Comment: This sequence change replaces leucine with proline at codon 37 of the TMC6 protein (p.Leu37Pro). The leucine residue is weakly conserved and there is a moderate physicochemical difference between leucine and proline. The frequency data for this variant in the population databases is not available, as this variant may be reported as separate entries in the ExAC database. This variant has not been reported in the literature in individuals affected with TMC6-related conditions. Algorithms developed to predict the effect of missense changes on protein structure and function are either unavailable or do not agree on the potential impact of this missense change (SIFT: "Not Available"; PolyPhen-2: "Probably Damaging"; Align-GVGD: "Not Available"). In summary, the available evidence is currently insufficient to determine the role of this variant in disease. Therefore, it has been classified as a Variant of Uncertain Significance.